The following is an entry in ClinVar:

NM_002430.3(MN1):c.2815G>A (p.Gly939Ser)

Gene: MN1 (MN1 proto-oncogene, transcriptional regulator; minus strand). Cytogenetic location: 22q12.1.
Variant type: single nucleotide variant.
Coding change: c.2815G>A on transcript NM_002430.3 (MANE Select); coding-DNA position 2815, G replaced by A.
Protein change: p.Gly939Ser; replaces glycine 939 with serine.
Molecular consequence: missense variant.
Genome position (GRCh38, 1-based): chr22:27,797,729, C>T on the plus strand (G>A on the coding strand, the complement: MN1 is on the minus strand). VCF-style: chr22-27797729-C-T. GRCh37 (hg19) VCF-style: chr22-28193717-C-T.
Other names: short protein forms G939S.
Identifiers: ClinVar variation 5037255 (VCV005037255.1).

ClinVar aggregate classification (germline): Uncertain significance (1 of 4 stars; one submission).

Submission:

GeneDx
Classification: Uncertain significance. Last evaluated: 2026-04-21. Review status: criteria provided, single submitter. Criteria: GeneDx Variant Classification Process June 2021. Collection method: clinical testing. Allele origin: germline.
Comment: Not observed at significant frequency in large population cohorts (gnomAD); In silico analysis suggests that this missense variant does not alter protein structure/function; Has not been previously published as pathogenic or benign to our knowledge